The following is an entry in ClinVar:

NM_000137.4(FAH):c.314+18A>G

Gene: FAH (fumarylacetoacetate hydrolase; plus strand). Cytogenetic location: 15q25.1.
Variant type: single nucleotide variant.
Coding change: c.314+18A>G on transcript NM_000137.4 (MANE Select); 18 bases into the intron after coding-DNA position 314, A replaced by G.
Molecular consequence: intron variant.
Genome position (GRCh38, 1-based): chr15:80,159,895, A>G. VCF-style: chr15-80159895-A-G. GRCh37 (hg19) VCF-style: chr15-80452237-A-G.
Other names: c.314+18A>G (NM_001374377.1, NM_001374380.1).
Identifiers: ClinVar variation 512142 (VCV000512142.1), dbSNP rs929155893, ClinGen allele CA658798412.

ClinVar aggregate classification (germline): Likely benign (1 of 4 stars; one submission).

gnomAD v4.1: 2 of 1,613,700 alleles (0.00012%); highest among the groups gnomAD compares: Non-Finnish European, 0.00017%; no homozygotes.

Submission:

GeneDx
Classification: Likely benign. Last evaluated: 2017-10-06. Review status: criteria provided, single submitter. Criteria: GeneDx Variant Classification (06012015). Collection method: clinical testing. Allele origin: germline. Affected: yes.
Comment: This variant is considered likely benign or benign based on one or more of the following criteria: it is a conservative change, it occurs at a poorly conserved position in the protein, it is predicted to be benign by multiple in silico algorithms, and/or has population frequency not consistent with disease.